The following is an entry in ClinVar:

ClinVar aggregate classification (germline): Uncertain significance (1 of 4 stars; one submission).

Submission:

Labcorp Genetics (formerly Invitae), Labcorp
Classification: Uncertain significance. Last evaluated: 2025-09-10. Review status: criteria provided, single submitter. Criteria: Invitae Variant Classification Sherloc (09022015). Collection method: clinical testing. Allele origin: germline.
Comment: This variant, c.1573_1575del, results in the deletion of 1 amino acid(s) of the JAK2 protein (p.Thr525del), but otherwise preserves the integrity of the reading frame. This variant is not present in population databases (gnomAD no frequency). This variant has not been reported in the literature in individuals affected with JAK2-related conditions. Experimental studies and prediction algorithms are not available or were not evaluated, and the functional significance of this variant is currently unknown. In summary, the available evidence is currently insufficient to determine the role of this variant in disease. Therefore, it has been classified as a Variant of Uncertain Significance.

NM_004972.4(JAK2):c.1573_1575del (p.Thr525del)

Genes: INSL6 (insulin like 6; minus strand), JAK2 (Janus kinase 2; plus strand). Cytogenetic location: 9p24.1.
Variant type: Deletion.
Coding change: c.1573_1575del on transcript NM_004972.4 (MANE Select); coding-DNA positions 1573 to 1575, 3 bases deleted (ACA; older notation c.1573_1575delACA).
Protein change: p.Thr525del; deletes threonine 525.
Molecular consequence: inframe deletion. On other transcripts: non-coding transcript variant (2).
Genome position (GRCh38, 1-based): chr9:5,069,984-5,069,986, ACA deleted; deleting any 3 consecutive bases within chr9:5,069,982-5,069,986 gives the same sequence; the c. name uses the placement nearest the transcript's 3' end. VCF-style (leftmost placement, unchanged base first): chr9-5069981-CCAA-C. GRCh37 (hg19) VCF-style: chr9-5069981-CCAA-C.
Other names: c.1573_1575del, p.Thr525del (NM_001322194.2, NM_001322195.2, NM_001322196.2); c.358_360del, p.Thr120del (NM_001322198.2, NM_001322199.2); c.1126_1128del, p.Thr376del (NM_001322204.2); short protein forms T376del, T120del, T525del.
Identifiers: ClinVar variation 4726963 (VCV004726963.1).
Genomic context (GRCh38, chr9:5,069,981, plus strand): 5'-TCAGATAAATCAAACCTTCTAGTCTTCAGAACGAATGGTGTTTCTGATGTACCAACCTCA[CCAA>C]CATTACAGAGGCCTACTCATATGAACCAAATGGTGTTTCACAAAATCAGAAATGAAGATT-3'